The following is an entry in ClinVar:

NM_017570.5(OPLAH):c.1633G>A (p.Val545Met)

Gene: OPLAH (5-oxoprolinase, ATP-hydrolysing; minus strand). Cytogenetic location: 8q24.3.
Variant type: single nucleotide variant.
Coding change: c.1633G>A on transcript NM_017570.5 (MANE Select); coding-DNA position 1633, G replaced by A.
Protein change: p.Val545Met; replaces valine 545 with methionine.
Molecular consequence: missense variant.
Genome position (GRCh38, 1-based): chr8:144,057,021, C>T on the plus strand (G>A on the coding strand, the complement: OPLAH is on the minus strand). VCF-style: chr8-144057021-C-T. GRCh37 (hg19) VCF-style: chr8-145111924-C-T.
Other names: short protein forms V545M.
Identifiers: ClinVar variation 714803 (VCV000714803.10), dbSNP rs116776822, ClinGen allele CA4931776.

ClinVar aggregate classification (germline): Benign. Review status: criteria provided, multiple submitters, no conflicts (2 of 4 stars). 3 submissions from 3 submitters: Benign (2). 1 of the submissions does not count toward it. Last evaluated 2025-12-15.

Conditions:
5-Oxoprolinase deficiency (OPLAHD). Also called: 5-OXOPROLINURIA DUE TO 5-OXOPROLINASE DEFICIENCY. Identifiers: Orphanet 33572, MedGen C0268525, MONDO:0009825, OMIM 260005, HP:0040142.
OPLAH-related disorder. Also called: OPLAH-related condition.

Allele frequency attached by ClinVar (database versions not stated): 1000 Genomes Project 0.00379; 1000 Genomes Project 30x 0.00390; gnomAD exomes 0.00049 and 0.00024; gnomAD 0.00272 and 0.00260; ESP Exome Variant Server 0.00242; ExAC 0.00129; TOPMed 0.00278.

Submissions (3):

Labcorp Genetics (formerly Invitae), Labcorp
Classification: Benign for 5-Oxoprolinase deficiency. Last evaluated: 2025-12-15. Review status: criteria provided, single submitter. Criteria: Invitae Variant Classification Sherloc (09022015). Collection method: clinical testing. Allele origin: germline.

Breakthrough Genomics
Classification: Benign. Review status: criteria provided, single submitter. Criteria: ACMG Guidelines, 2015. Collection method: not provided. Allele origin: germline. Inheritance: Autosomal recessive inheritance. Affected: yes.

PreventionGenetics, part of Exact Sciences
Classification: Benign for OPLAH-related condition. Last evaluated: 2019-05-27. Review status: no assertion criteria provided. Collection method: clinical testing. Allele origin: germline. Not counted in ClinVar's aggregate classification.
Comment: This variant is classified as benign based on ACMG/AMP sequence variant interpretation guidelines (Richards et al. 2015 PMID: 25741868, with internal and published modifications).